The following is an entry in ClinVar:

NM_000891.3(KCNJ2):c.425C>T (p.Thr142Ile)

Gene: KCNJ2 (potassium inwardly rectifying channel subfamily J member 2; plus strand). Cytogenetic location: 17q24.3.
Variant type: single nucleotide variant.
Coding change: c.425C>T on transcript NM_000891.3 (MANE Select); coding-DNA position 425, C replaced by T.
Protein change: p.Thr142Ile; replaces threonine 142 with isoleucine.
Molecular consequence: missense variant.
Genome position (GRCh38, 1-based): chr17:70,175,464, C>T. VCF-style: chr17-70175464-C-T. GRCh37 (hg19) VCF-style: chr17-68171605-C-T.
Other names: short protein forms T142I.
Identifiers: ClinVar variation 1739158 (VCV001739158.4), dbSNP rs2509921093, ClinGen allele CA400860573.

ClinVar aggregate classification (germline): Likely pathogenic. Review status: criteria provided, multiple submitters, no conflicts (2 of 4 stars). 2 submissions from 2 submitters: Likely pathogenic (2). Last evaluated 2026-02-01.

Conditions:
Cardiovascular phenotype. Identifiers: MedGen CN230736.

Submissions (2):

CeGaT Center for Human Genetics Tuebingen
Classification: Likely pathogenic. Last evaluated: 2026-02-01. Review status: criteria provided, single submitter. Criteria: CeGaT Center For Human Genetics Tuebingen Variant Classification Criteria Version 2. Collection method: clinical testing. Allele origin: germline. Affected: yes. Observed: 1 variant allele.
Comment: KCNJ2: PM1, PM2, PP3, PP4

Ambry Genetics
Classification: Likely pathogenic for Cardiovascular phenotype. Last evaluated: 2018-06-08. Review status: criteria provided, single submitter. Criteria: Ambry Variant Classification Scheme 2023. Collection method: clinical testing. Allele origin: germline.
Comment: The p.T142I variant (also known as c.425C>T), located in coding exon 1 of the KCNJ2 gene, results from a C to T substitution at nucleotide position 425. The threonine at codon 142 is replaced by isoleucine, an amino acid with similar properties. This alteration impacts the highly conserved ion selectivity filter (TIGYGF) located between transmembrane helices S5 and S6. Internal structural analysis indicates that this variant disrupts the ion channel pore and is expected to eliminate the K+ selectivity of the K+ channel (Tao X et al. Science. 2009;326(5960):1668-74; Whorton MR and MacKinnon R. Cell. 2011;147(1):199-208; Ambry internal data). This amino acid position is highly conserved in available vertebrate species. In addition, this alteration is predicted to be deleterious by in silico analysis. Based on the majority of available evidence to date, this variant is likely to be pathogenic.

Literature cited by the submitters: PubMed 26070303 (cited by Ambry Genetics); PubMed 9525859 (cited by Ambry Genetics).